The following is an entry in ClinVar:

ClinVar aggregate classification (germline): Uncertain significance (1 of 4 stars; one submission).

Conditions:
Combined oxidative phosphorylation defect type 27. Also called: Combined oxidative phosphorylation deficiency 27. Identifiers: Orphanet 477774, MedGen C5567608, MONDO:0014728, OMIM 616672.

Allele frequency attached by ClinVar (database versions not stated): gnomAD 0.00001; gnomAD exomes 0.00001; TOPMed 0.00001.
gnomAD v4.1: 10 of 1,600,738 alleles (0.00062%); highest among the groups gnomAD compares: Non-Finnish European, 0.00085%; no homozygotes.

Submission:

Labcorp Genetics (formerly Invitae), Labcorp
Classification: Uncertain significance for Combined oxidative phosphorylation defect type 27. Last evaluated: 2025-10-22. Review status: criteria provided, single submitter. Criteria: Invitae Variant Classification Sherloc (09022015). Collection method: clinical testing. Allele origin: germline.
Comment: This sequence change replaces glycine, which is neutral and non-polar, with arginine, which is basic and polar, at codon 201 of the CARS2 protein (p.Gly201Arg). This variant is not present in population databases (gnomAD no frequency). This variant has not been reported in the literature in individuals affected with CARS2-related conditions. ClinVar contains an entry for this variant (Variation ID: 864312). An algorithm developed to predict the effect of missense changes on protein structure and function (PolyPhen-2) suggests that this variant is likely to be disruptive. In summary, the available evidence is currently insufficient to determine the role of this variant in disease. Therefore, it has been classified as a Variant of Uncertain Significance.

NM_024537.4(CARS2):c.601G>A (p.Gly201Arg)

Gene: CARS2 (cysteinyl-tRNA synthetase 2, mitochondrial; minus strand). Cytogenetic location: 13q34.
Variant type: single nucleotide variant.
Coding change: c.601G>A on transcript NM_024537.4 (MANE Select); coding-DNA position 601, G replaced by A.
Protein change: p.Gly201Arg; replaces glycine 201 with arginine.
Molecular consequence: missense variant. On other transcripts: 5 prime UTR variant (1), non-coding transcript variant (2).
Genome position (GRCh38, 1-based): chr13:110,683,105, C>T on the plus strand (G>A on the coding strand, the complement: CARS2 is on the minus strand). VCF-style: chr13-110683105-C-T. GRCh37 (hg19) VCF-style: chr13-111335452-C-T.
Other names: c.-186G>A (NM_001352252.2); c.601G>A, p.Gly201Arg (NM_001352253.3); short protein forms G201R.
Identifiers: ClinVar variation 864312 (VCV000864312.10), dbSNP rs1305604439, ClinGen allele CA388736940.